The following is an entry in ClinVar:

ClinVar aggregate classification (germline): Conflicting classifications of pathogenicity. Review status: criteria provided, conflicting classifications (1 of 4 stars). 6 submissions from 6 submitters: Uncertain significance (1); Likely benign (4). 1 of the submissions does not count toward it. Last evaluated 2026-10-01.

Conditions:
SPG7-related disorder. Also called: SPG7-related condition.
Hereditary spastic paraplegia 7 (SPG7). Also called: Autosomal recessive spastic paraplegia type 7; SPG7-related neurologic disorder; SPASTIC PARAPLEGIA 7, AUTOSOMAL RECESSIVE, WITH OR WITHOUT CEREBELLAR ATAXIA; Spastic paraplegia 7; Hereditary spastic paraplegia Paraplegin type. Identifiers: Orphanet 99013, MedGen C1846564, MONDO:0011803, OMIM 607259.
Hereditary spastic paraplegia. Also called: Familial spastic paraparesis. Identifiers: Orphanet 685, MedGen C0037773, MONDO:0019064. Disease mechanism: loss of function.

Allele frequency attached by ClinVar (database versions not stated): ExAC 0.00010; gnomAD 0.00011; TOPMed 0.00013; gnomAD exomes 0.00015 and 0.00022; ESP Exome Variant Server 0.00031.
gnomAD v4.1: 338 of 1,613,378 alleles (0.021%); highest among the groups gnomAD compares: Non-Finnish European, 0.028%; no homozygotes.

Submissions (6):

CeGaT Center for Human Genetics Tuebingen
Classification: Likely benign. Last evaluated: 2026-10-01. Review status: criteria provided, single submitter. Criteria: CeGaT Center For Human Genetics Tuebingen Variant Classification Criteria Version 2. Collection method: clinical testing. Allele origin: germline. Affected: yes. Observed: 1 variant allele.
Comment: SPG7: BP4, BP7

Labcorp Genetics (formerly Invitae), Labcorp
Classification: Likely benign for Hereditary spastic paraplegia 7. Last evaluated: 2025-11-06. Review status: criteria provided, single submitter. Criteria: Invitae Variant Classification Sherloc (09022015). Collection method: clinical testing. Allele origin: germline.

Blueprint Genetics
Classification: Likely benign. Last evaluated: 2024-06-27. Review status: criteria provided, single submitter. Criteria: ACMG Guidelines, 2015. Collection method: clinical testing. Allele origin: germline.

Genome Diagnostics Laboratory, The Hospital for Sick Children
Classification: Uncertain significance for Hereditary spastic paraplegia. Last evaluated: 2020-02-01. Review status: criteria provided, single submitter. Criteria: ACMG Guidelines, 2015. Collection method: clinical testing. Allele origin: germline. Affected: yes.

GeneDx
Classification: Likely benign. Last evaluated: 2019-04-19. Review status: criteria provided, single submitter. Criteria: GeneDx Variant Classification Process June 2021. Collection method: clinical testing. Allele origin: germline. Affected: yes.

PreventionGenetics, part of Exact Sciences
Classification: Likely benign for SPG7-related condition. Last evaluated: 2022-02-22. Review status: no assertion criteria provided. Collection method: clinical testing. Allele origin: germline. Not counted in ClinVar's aggregate classification.
Comment: This variant is classified as likely benign based on ACMG/AMP sequence variant interpretation guidelines (Richards et al. 2015 PMID: 25741868, with internal and published modifications).

NM_003119.4(SPG7):c.250T>C (p.Leu84=)

Gene: SPG7 (SPG7 matrix AAA peptidase subunit, paraplegin; plus strand). Cytogenetic location: 16q24.3.
Variant type: single nucleotide variant.
Coding change: c.250T>C on transcript NM_003119.4 (MANE Select); coding-DNA position 250, T replaced by C.
Protein change: p.Leu84=; no amino-acid change (leucine 84 retained).
Molecular consequence: synonymous variant.
Genome position (GRCh38, 1-based): chr16:89,510,556, T>C. VCF-style: chr16-89510556-T-C. GRCh37 (hg19) VCF-style: chr16-89576964-T-C.
Other names: c.250T>C, p.Leu84= (NM_001363850.1, NM_199367.3).
Identifiers: ClinVar variation 696370 (VCV000696370.19), dbSNP rs138965309, ClinGen allele CA8243478.